The following is an entry in ClinVar:

NM_000291.4(PGK1):c.148T>G (p.Cys50Gly)

Gene: PGK1 (phosphoglycerate kinase 1; plus strand). Cytogenetic location: Xq21.1.
Variant type: single nucleotide variant.
Coding change: c.148T>G on transcript NM_000291.4 (MANE Select); coding-DNA position 148, T replaced by G.
Protein change: p.Cys50Gly; replaces cysteine 50 with glycine.
Molecular consequence: missense variant.
Genome position (GRCh38, 1-based): chrX:78,113,775, T>G. VCF-style: chrX-78113775-T-G. GRCh37 (hg19) VCF-style: chrX-77369272-T-G.
Other names: short protein forms C50G.
Identifiers: ClinVar variation 1319463 (VCV001319463.8), dbSNP rs2149132074, ClinGen allele CA413718792.

ClinVar aggregate classification (germline): Uncertain significance. Review status: criteria provided, multiple submitters, no conflicts (2 of 4 stars). 3 submissions from 3 submitters: Uncertain significance (3). Last evaluated 2023-12-16.

Conditions:
Inborn genetic diseases. Identifiers: MedGen C0950123, MeSH D030342.

gnomAD v4.1: 3 of 1,209,995 alleles (0.00025%); highest among the groups gnomAD compares: Non-Finnish European, 0.00034%; no homozygotes.

Submissions (3):

Ambry Genetics
Classification: Uncertain significance for Inborn genetic diseases. Last evaluated: 2023-12-16. Review status: criteria provided, single submitter. Criteria: Ambry Variant Classification Scheme 2023. Collection method: clinical testing. Allele origin: germline.

Labcorp Genetics (formerly Invitae), Labcorp
Classification: Uncertain significance. Last evaluated: 2023-08-30. Review status: criteria provided, single submitter. Criteria: Invitae Variant Classification Sherloc (09022015). Collection method: clinical testing. Allele origin: germline.
Comment: In summary, the available evidence is currently insufficient to determine the role of this variant in disease. Therefore, it has been classified as a Variant of Uncertain Significance. Advanced modeling of protein sequence and biophysical properties (such as structural, functional, and spatial information, amino acid conservation, physicochemical variation, residue mobility, and thermodynamic stability) performed at Invitae indicates that this missense variant is not expected to disrupt PGK1 protein function. ClinVar contains an entry for this variant (Variation ID: 1319463). This variant has not been reported in the literature in individuals affected with PGK1-related conditions. This variant is not present in population databases (gnomAD no frequency). This sequence change replaces cysteine, which is neutral and slightly polar, with glycine, which is neutral and non-polar, at codon 50 of the PGK1 protein (p.Cys50Gly).

Institute for Clinical Genetics, University Hospital TU Dresden, University Hospital TU Dresden
Classification: Uncertain significance. Last evaluated: 2021-11-03. Review status: criteria provided, single submitter. Criteria: ACMG Guidelines, 2015. Collection method: clinical testing. Allele origin: germline.